The following is an entry in ClinVar:

ClinVar aggregate classification (germline): Pathogenic/Likely pathogenic. Review status: criteria provided, multiple submitters, no conflicts (2 of 4 stars). 9 submissions from 8 submitters: Pathogenic (7); Likely pathogenic (2). Last evaluated 2025-03-11.

Conditions:
Type 2 diabetes mellitus. Also called: Type II diabetes mellitus. Identifiers: MedGen C0011860, MeSH D003924, MONDO:0005148, OMIM 125853, HP:0005978.
Diabetes mellitus, transient neonatal, 3 (TNDM3). Identifiers: Orphanet 99886, MedGen C1864623, MONDO:0012522, OMIM 610582. Disease mechanism: loss of function.
Diabetes mellitus, permanent neonatal 2. Also called: KCNJ11-Related Permanent Neonatal Diabetes Mellitus. Identifiers: MedGen C5394296, MONDO:0030087, OMIM 618856.
Hyperinsulinemic hypoglycemia, familial, 2. Also called: HYPERINSULINEMIC HYPOGLYCEMIA, PERSISTENT; HYPERINSULINISM, NEONATAL. Identifiers: Orphanet 276580, Orphanet 276603, MedGen C2931833, MONDO:0011153, OMIM 601820. Disease mechanism: loss of function.
Maturity-onset diabetes of the young type 13. Also called: MODY, TYPE 13. Identifiers: Orphanet 552, MedGen C4225365, MONDO:0014589, OMIM 616329.
Permanent neonatal diabetes mellitus (PNDM). Identifiers: Orphanet 99885, MedGen C1833104, MONDO:0100164, MONDO:0011643. Disease mechanism: gain of function.

Allele frequency attached by ClinVar (database versions not stated): TOPMed below 0.00001; gnomAD 0.00001; ESP Exome Variant Server 0.00008.

Submissions (9):

Natera, Inc.
Classification: Pathogenic for Permanent neonatal diabetes mellitus. Last evaluated: 2025-03-11. Review status: criteria provided, single submitter. Criteria: Natera Variant Classification Schema (03/2026). Collection method: clinical testing. Allele origin: germline.
Comment: The c.101G>A variant in KCNJ11 is a missense variant predicted to cause substitution of arginine to histidine at amino acid 34. This variant is rare in the general population with a frequency below the threshold expected for the associated phenotype(s). This variant has been observed in one or more individuals affected with the associated recessive disease, as either homozygous or compound heterozygous with a second variant (PMID: 15807877, 24421282). Computational prediction algorithms indicate this variant is likely to affect gene or protein function. Given the available evidence, this variant is classified as Pathogenic.

GeneDx
Classification: Pathogenic. Last evaluated: 2024-12-20. Review status: criteria provided, single submitter. Criteria: GeneDx Variant Classification Process June 2021. Collection method: clinical testing. Allele origin: germline. Affected: yes.
Comment: Published functional studies demonstrate a damaging effect (PMID: 38761346); In silico analysis supports that this missense variant has a deleterious effect on protein structure/function; Not observed at significant frequency in large population cohorts (gnomAD); This variant is associated with the following publications: (PMID: 31218401, 32552793, 24421282, 24686051, 15807877, 33144682, 37154692, 37344829, 38033998, 38761346, 36410788, 39190464, 32808382, 37644014)

Baylor Genetics
Classification: Pathogenic for Type 2 diabetes mellitus. Last evaluated: 2024-03-30. Review status: criteria provided, single submitter. Criteria: ACMG Guidelines, 2015. Collection method: clinical testing. Allele origin: unknown.

Genomic Medicine Center of Excellence, King Faisal Specialist Hospital and Research Centre
Classification: Pathogenic for Diabetes mellitus, permanent neonatal 2. Last evaluated: 2024-03-17. Review status: criteria provided, single submitter. Criteria: ACMG Guidelines, 2015. Collection method: research. Allele origin: germline.

Labcorp Genetics (formerly Invitae), Labcorp
Classification: Pathogenic. Last evaluated: 2023-06-20. Review status: criteria provided, single submitter. Criteria: Invitae Variant Classification Sherloc (09022015). Collection method: clinical testing. Allele origin: germline.
Comment: This sequence change replaces arginine, which is basic and polar, with histidine, which is basic and polar, at codon 34 of the KCNJ11 protein (p.Arg34His). This variant is present in population databases (rs141145502, gnomAD 0.006%). For these reasons, this variant has been classified as Pathogenic. This variant disrupts the p.Arg34 amino acid residue in KCNJ11. Other variant(s) that disrupt this residue have been determined to be pathogenic (PMID: 23275527, 27908292). This suggests that this residue is clinically significant, and that variants that disrupt this residue are likely to be disease-causing. Advanced modeling of protein sequence and biophysical properties (such as structural, functional, and spatial information, amino acid conservation, physicochemical variation, residue mobility, and thermodynamic stability) performed at Invitae indicates that this missense variant is expected to disrupt KCNJ11 protein function. ClinVar contains an entry for this variant (Variation ID: 1219242). This missense change has been observed in individuals with autosomal recessive familial hyperinsulinism (PMID: 15807877, 24421282, 24686051). It has also been observed to segregate with disease in related individuals.

Genomic Medicine Center of Excellence, King Faisal Specialist Hospital and Research Centre
Classification: Pathogenic for Hyperinsulinemic hypoglycemia, familial, 2. Last evaluated: 2023-05-08. Review status: criteria provided, single submitter. Criteria: ACMG Guidelines, 2015. Collection method: research. Allele origin: germline. Affected: yes.

Fulgent Genetics
Classification: Likely pathogenic for Type 2 diabetes mellitus; Hyperinsulinemic hypoglycemia, familial, 2; Diabetes mellitus, transient neonatal, 3; Maturity-onset diabetes of the young type 13; Diabetes mellitus, permanent neonatal 2. Last evaluated: 2021-07-29. Review status: criteria provided, single submitter. Criteria: ACMG Guidelines, 2015. Collection method: clinical testing. Allele origin: unknown.

Juno Genomics, Hangzhou Juno Genomics, Inc
Classification: Likely pathogenic for Type 2 diabetes mellitus; Diabetes mellitus, transient neonatal, 3; Diabetes mellitus, permanent neonatal 2; Hyperinsulinemic hypoglycemia, familial, 2; Maturity-onset diabetes of the young type 13. Review status: criteria provided, single submitter. Criteria: ACMG Guidelines, 2015. Collection method: clinical testing. Allele origin: germline.
Comment: Absent from controls (or at extremely low frequency if recessive) in Genome Aggregation Database.;For recessive disorders, detected in trans with a pathogenic variant.;The prevalence of the variant in affected individuals is significantly increased compared to the prevalence in controls.;Patient's phenotype or family history is highly specific for a disease with a single genetic etiology.;Co-segregation with disease in multiple affected family members.;Multiple lines of computational evidence suggest no impact on gene or gene product.

Kasturba Medical College, Manipal, Kasturba Medical College, Manipal, Manipal Academy of Higher Education, Manipal, India
Classification: Pathogenic for Hyperinsulinemic hypoglycemia, familial, 2. Review status: criteria provided, single submitter. Criteria: ACMG Guidelines, 2015. Collection method: clinical testing. Allele origin: biparental. Inheritance: Autosomal recessive inheritance. Affected: yes. Observed: 1 homozygote.
Comment: In-silico prediction tools (MutationTaster, CADD phred, and REVEL) are consistent in predicting the variant to be damaging to KCNJ11 protein function.

Literature cited by the submitters: PubMed 15807877 (cited by Natera, Inc. and Labcorp Genetics (formerly Invitae), Labcorp); PubMed 24421282 (cited by Natera, Inc. and Labcorp Genetics (formerly Invitae), Labcorp); PubMed 23275527 (cited by Labcorp Genetics (formerly Invitae), Labcorp); PubMed 27908292 (cited by Labcorp Genetics (formerly Invitae), Labcorp); PubMed 24686051 (cited by Labcorp Genetics (formerly Invitae), Labcorp).

NM_000525.4(KCNJ11):c.101G>A (p.Arg34His)

Gene: KCNJ11 (potassium inwardly rectifying channel subfamily J member 11; minus strand). Cytogenetic location: 11p15.1.
Variant type: single nucleotide variant.
Coding change: c.101G>A on transcript NM_000525.4 (MANE Select); coding-DNA position 101, G replaced by A.
Protein change: p.Arg34His; replaces arginine 34 with histidine.
Molecular consequence: missense variant. On other transcripts: intron variant (3).
Genome position (GRCh38, 1-based): chr11:17,387,991, C>T on the plus strand (G>A on the coding strand, the complement: KCNJ11 is on the minus strand). VCF-style: chr11-17387991-C-T. GRCh37 (hg19) VCF-style: chr11-17409538-C-T.
Other names: c.-16-145G>A (NM_001166290.2, NM_001377297.1); c.-17+27G>A (NM_001377296.1); short protein forms R34H.
Identifiers: ClinVar variation 1219242 (VCV001219242.22), dbSNP rs141145502, ClinGen allele CA218400168.